The following is an entry in ClinVar:

NM_006033.4(LIPG):c.460-2A>G

Gene: LIPG (lipase G, endothelial type; plus strand). Cytogenetic location: 18q21.1.
Variant type: single nucleotide variant.
Coding change: c.460-2A>G on transcript NM_006033.4 (MANE Select); the canonical splice acceptor site of the intron before coding-DNA position 460, A replaced by G.
Molecular consequence: splice acceptor variant.
Genome position (GRCh38, 1-based): chr18:49,569,435, A>G. VCF-style: chr18-49569435-A-G. GRCh37 (hg19) VCF-style: chr18-47095805-A-G.
Other names: c.460-2A>G (NM_001308006.2).
Identifiers: ClinVar variation 2114273 (VCV002114273.4), dbSNP rs2511295502, ClinGen allele CA402418773.

ClinVar aggregate classification (germline): Uncertain significance (1 of 4 stars; one submission).

Submission:

Labcorp Genetics (formerly Invitae), Labcorp
Classification: Uncertain significance. Last evaluated: 2022-03-19. Review status: criteria provided, single submitter. Criteria: Invitae Variant Classification Sherloc (09022015). Collection method: clinical testing. Allele origin: germline.
Comment: In summary, the available evidence is currently insufficient to determine the role of this variant in disease. Therefore, it has been classified as a Variant of Uncertain Significance. Algorithms developed to predict the effect of sequence changes on RNA splicing suggest that this variant may disrupt the consensus splice site. This variant has not been reported in the literature in individuals affected with LIPG-related conditions. This variant is not present in population databases (gnomAD no frequency). This sequence change affects an acceptor splice site in intron 3 of the LIPG gene. It is expected to disrupt RNA splicing. Variants that disrupt the donor or acceptor splice site typically lead to a loss of protein function (PMID: 16199547), however the current clinical and genetic evidence is not sufficient to establish whether loss-of-function variants in LIPG cause disease.

Literature cited by the submitters: PubMed 16199547.